The following is an entry in ClinVar:

ClinVar aggregate classification (germline): Uncertain significance (1 of 4 stars; one submission).

Conditions:
Hereditary cancer-predisposing syndrome. Also called: Neoplastic Syndromes, Hereditary; Tumor predisposition; Hereditary Cancer Syndrome; Hereditary neoplastic syndrome. Identifiers: Orphanet 140162, MedGen C0027672, MeSH D009386, MONDO:0015356.

Submission:

Ambry Genetics
Classification: Uncertain significance for Hereditary cancer-predisposing syndrome. Last evaluated: 2025-06-21. Review status: criteria provided, single submitter. Criteria: Ambry Variant Classification Scheme 2023. Collection method: clinical testing. Allele origin: germline.
Comment: The p.V1180L variant (also known as c.3538G>T), located in coding exon 23 of the ATM gene, results from a G to T substitution at nucleotide position 3538. The valine at codon 1180 is replaced by leucine, an amino acid with highly similar properties. This amino acid position is conserved. In addition, the in silico prediction for this alteration is inconclusive. Based on the available evidence, the clinical significance of this variant remains unclear.

NM_000051.4(ATM):c.3538G>T (p.Val1180Leu)

Gene: ATM (ATM serine/threonine kinase; plus strand). Cytogenetic location: 11q22.3.
Variant type: single nucleotide variant.
Coding change: c.3538G>T on transcript NM_000051.4 (MANE Select); coding-DNA position 3538, G replaced by T.
Protein change: p.Val1180Leu; replaces valine 1180 with leucine.
Molecular consequence: missense variant.
Genome position (GRCh38, 1-based): chr11:108,281,130, G>T. VCF-style: chr11-108281130-G-T. GRCh37 (hg19) VCF-style: chr11-108151857-G-T.
Other names: c.3538G>T, p.Val1180Leu (NM_001351834.2); short protein forms V1180L.
Identifiers: ClinVar variation 4168843 (VCV004168843.1).